The following is an entry in ClinVar:

NM_025243.4(SLC19A3):c.84G>A (p.Met28Ile)

Gene: SLC19A3 (solute carrier family 19 member 3; minus strand). Cytogenetic location: 2q36.3.
Variant type: single nucleotide variant.
Coding change: c.84G>A on transcript NM_025243.4 (MANE Select); coding-DNA position 84, G replaced by A.
Protein change: p.Met28Ile; replaces methionine 28 with isoleucine.
Molecular consequence: missense variant. On other transcripts: 5 prime UTR variant (2).
Genome position (GRCh38, 1-based): chr2:227,702,235, C>T on the plus strand (G>A on the coding strand, the complement: SLC19A3 is on the minus strand). VCF-style: chr2-227702235-C-T. GRCh37 (hg19) VCF-style: chr2-228566951-C-T.
Other names: c.84G>A, p.Met28Ile (NM_001371411.1, NM_001371412.1); c.-125G>A (NM_001371413.1, NM_001371414.1); short protein forms M28I.
Identifiers: ClinVar variation 2106912 (VCV002106912.1), dbSNP rs1296450224, ClinGen allele CA350877975.

ClinVar aggregate classification (germline): Uncertain significance (1 of 4 stars; one submission).

Conditions:
Biotin-responsive basal ganglia disease (BTBGD). Also called: THIAMINE METABOLISM DYSFUNCTION SYNDROME 2 (BIOTIN- AND THIAMINE-RESPONSIVE TYPE); Thiamine Transporter-2 Deficiency; Thiamine metabolism dysfunction syndrome 2 (biotin- or thiamine-responsive encephalopathy type 2); thiamine-responsive encephalopathy; Thiamine metabolism dysfunction syndrome type 2. Identifiers: Orphanet 199348, Orphanet 65284, MedGen C1843807, MONDO:0011841, OMIM 607483.

Allele frequency attached by ClinVar (database versions not stated): gnomAD exomes below 0.00001; TOPMed below 0.00001; gnomAD 0.00001.
gnomAD v4.1: 9 of 1,613,728 alleles (0.00056%); highest among the groups gnomAD compares: East Asian, 0.0022%; no homozygotes.

Submission:

Labcorp Genetics (formerly Invitae), Labcorp
Classification: Uncertain significance for Biotin-responsive basal ganglia disease. Last evaluated: 2022-03-04. Review status: criteria provided, single submitter. Criteria: Invitae Variant Classification Sherloc (09022015). Collection method: clinical testing. Allele origin: germline.
Comment: This sequence change replaces methionine, which is neutral and non-polar, with isoleucine, which is neutral and non-polar, at codon 28 of the SLC19A3 protein (p.Met28Ile). This variant is present in population databases (no rsID available, gnomAD 0.0009%). This variant has not been reported in the literature in individuals affected with SLC19A3-related conditions. Advanced modeling of protein sequence and biophysical properties (such as structural, functional, and spatial information, amino acid conservation, physicochemical variation, residue mobility, and thermodynamic stability) performed at Invitae indicates that this missense variant is not expected to disrupt SLC19A3 protein function. In summary, the available evidence is currently insufficient to determine the role of this variant in disease. Therefore, it has been classified as a Variant of Uncertain Significance.